The following is an entry in ClinVar:

ClinVar aggregate classification (germline): Uncertain significance (1 of 4 stars; one submission).

Conditions:
Nephronophthisis. Also called: Juvenile Nephronophthisis. Identifiers: Orphanet 655, MedGen C0687120, MONDO:0019005, HP:0000090.

Submission:

Labcorp Genetics (formerly Invitae), Labcorp
Classification: Uncertain significance for Nephronophthisis. Last evaluated: 2022-11-08. Review status: criteria provided, single submitter. Criteria: Invitae Variant Classification Sherloc (09022015). Collection method: clinical testing. Allele origin: germline.
Comment: This sequence change replaces valine, which is neutral and non-polar, with glycine, which is neutral and non-polar, at codon 79 of the NPHP4 protein (p.Val79Gly). This variant is not present in population databases (gnomAD no frequency). This variant has not been reported in the literature in individuals affected with NPHP4-related conditions. ClinVar contains an entry for this variant (Variation ID: 1370383). Advanced modeling of protein sequence and biophysical properties (such as structural, functional, and spatial information, amino acid conservation, physicochemical variation, residue mobility, and thermodynamic stability) performed at Invitae indicates that this missense variant is not expected to disrupt NPHP4 protein function. In summary, the available evidence is currently insufficient to determine the role of this variant in disease. Therefore, it has been classified as a Variant of Uncertain Significance.

NM_015102.5(NPHP4):c.236T>G (p.Val79Gly)

Gene: NPHP4 (nephrocystin 4; minus strand). Cytogenetic location: 1p36.31.
Variant type: single nucleotide variant.
Coding change: c.236T>G on transcript NM_015102.5 (MANE Select); coding-DNA position 236, T replaced by G.
Protein change: p.Val79Gly; replaces valine 79 with glycine.
Molecular consequence: missense variant. On other transcripts: 5 prime UTR variant (1), non-coding transcript variant (1), intron variant (1).
Genome position (GRCh38, 1-based): chr1:5,978,313, A>C on the plus strand (T>G on the coding strand, the complement: NPHP4 is on the minus strand). VCF-style: chr1-5978313-A-C. GRCh37 (hg19) VCF-style: chr1-6038373-A-C.
Other names: c.-994T>G (NM_001291593.2); c.-1087-9054T>G (NM_001291594.2); short protein forms V79G.
Identifiers: ClinVar variation 1370383 (VCV001370383.6), dbSNP rs2102372361, ClinGen allele CA338052985.